The following is an entry in ClinVar:

ClinVar aggregate classification (germline): Uncertain significance (1 of 4 stars; one submission).

Allele frequency attached by ClinVar (database versions not stated): gnomAD exomes below 0.00001.
gnomAD v4.1: 1 of 1,614,142 alleles (0.000062%); highest among the groups gnomAD compares: Non-Finnish European, 0.000085%; no homozygotes.

Submission:

Labcorp Genetics (formerly Invitae), Labcorp
Classification: Uncertain significance. Last evaluated: 2024-08-12. Review status: criteria provided, single submitter. Criteria: Invitae Variant Classification Sherloc (09022015). Collection method: clinical testing. Allele origin: germline.
Comment: This sequence change replaces leucine, which is neutral and non-polar, with arginine, which is basic and polar, at codon 299 of the BSND protein (p.Leu299Arg). This variant is present in population databases (no rsID available, gnomAD 0.0009%). This variant has not been reported in the literature in individuals affected with BSND-related conditions. ClinVar contains an entry for this variant (Variation ID: 2096569). Advanced modeling of protein sequence and biophysical properties (such as structural, functional, and spatial information, amino acid conservation, physicochemical variation, residue mobility, and thermodynamic stability) performed at Invitae indicates that this missense variant is expected to disrupt BSND protein function with a positive predictive value of 80%. In summary, the available evidence is currently insufficient to determine the role of this variant in disease. Therefore, it has been classified as a Variant of Uncertain Significance.

NM_057176.3(BSND):c.896T>G (p.Leu299Arg)

Gene: BSND (barttin CLCNK type accessory subunit beta; plus strand). Cytogenetic location: 1p32.3.
Variant type: single nucleotide variant.
Coding change: c.896T>G on transcript NM_057176.3 (MANE Select); coding-DNA position 896, T replaced by G.
Protein change: p.Leu299Arg; replaces leucine 299 with arginine.
Molecular consequence: missense variant.
Genome position (GRCh38, 1-based): chr1:55,008,561, T>G. VCF-style: chr1-55008561-T-G. GRCh37 (hg19) VCF-style: chr1-55474234-T-G.
Other names: short protein forms L299R.
Identifiers: ClinVar variation 2096569 (VCV002096569.4), dbSNP rs1444393835, ClinGen allele CA340479556.
Genomic context (GRCh38, chr1:55,008,561, plus strand): 5'-AGGCTTCGGACACAGGTGGGGAGGAACCTGAGAAGGAAGAGGAAGACCTGTACTATGGGC[T>G]GCCAGATGGAGCCGGGGACCTCCTCCCGGACAAGGAGCTGGGTTTTGAGCCTGACACCCA-3'
Protein context (NP_476517.1, residues 289-309): EKEEEDLYYG[Leu299Arg]PDGAGDLLPD